The following is an entry in ClinVar:

ClinVar aggregate classification (germline): Benign/Likely benign. Review status: criteria provided, multiple submitters, no conflicts (2 of 4 stars). 2 submissions from 2 submitters: Benign (1); Likely benign (1). Last evaluated 2017-09-15.

Allele frequency attached by ClinVar (database versions not stated): gnomAD exomes 0.00014 and 0.00038; ExAC 0.00047; TOPMed 0.00144; gnomAD 0.00146 and 0.00155; 1000 Genomes Project 0.00160; ESP Exome Variant Server 0.00169; 1000 Genomes Project 30x 0.00172.
gnomAD v4.1: 430 of 1,614,226 alleles (0.027%); highest among the groups gnomAD compares: African/African-American, 0.51%; 4 homozygotes.

Submissions (2):

Eurofins Ntd Llc (ga)
Classification: Likely benign. Last evaluated: 2017-09-15. Review status: criteria provided, single submitter. Criteria: EGL Classification Definitions 2015. Collection method: clinical testing. Allele origin: germline. Observed: 1 variant allele, 1 heterozygote.

GeneDx
Classification: Benign. Last evaluated: 2015-03-09. Review status: criteria provided, single submitter. Criteria: GeneDx Variant Classification (06012015). Collection method: clinical testing. Allele origin: germline. Affected: yes.
Comment: This variant is considered likely benign or benign based on one or more of the following criteria: it is a conservative change, it occurs at a poorly conserved position in the protein, it is predicted to be benign by multiple in silico algorithms, and/or has population frequency not consistent with disease.

NM_000100.4(CSTB):c.*7C>G

Gene: CSTB (cystatin B; minus strand). Cytogenetic location: 21q22.3.
Variant type: single nucleotide variant.
Coding change: c.*7C>G on transcript NM_000100.4 (MANE Select); 7 bases downstream of the stop codon, C replaced by G.
Molecular consequence: 3 prime UTR variant.
Genome position (GRCh38, 1-based): chr21:43,774,195, G>C on the plus strand (C>G on the coding strand, the complement: CSTB is on the minus strand). VCF-style: chr21-43774195-G-C. GRCh37 (hg19) VCF-style: chr21-45194076-G-C.
Identifiers: ClinVar variation 377757 (VCV000377757.5), dbSNP rs201576714, ClinGen allele CA10048856.